The following is an entry in ClinVar:

ClinVar aggregate classification (germline): Uncertain significance (1 of 4 stars; one submission).

Submission:

Labcorp Genetics (formerly Invitae), Labcorp
Classification: Uncertain significance. Last evaluated: 2021-10-10. Review status: criteria provided, single submitter. Criteria: Invitae Variant Classification Sherloc (09022015). Collection method: clinical testing. Allele origin: germline.
Comment: Advanced modeling of protein sequence and biophysical properties (such as structural, functional, and spatial information, amino acid conservation, physicochemical variation, residue mobility, and thermodynamic stability) performed at Invitae indicates that this missense variant is not expected to disrupt CDHR1 protein function. In summary, the available evidence is currently insufficient to determine the role of this variant in disease. Therefore, it has been classified as a Variant of Uncertain Significance. This variant has not been reported in the literature in individuals affected with CDHR1-related conditions. This variant is not present in population databases (ExAC no frequency). This sequence change replaces valine with alanine at codon 814 of the CDHR1 protein (p.Val814Ala). The valine residue is highly conserved and there is a small physicochemical difference between valine and alanine.

NM_033100.4(CDHR1):c.2441T>C (p.Val814Ala)

Gene: CDHR1 (cadherin related family member 1; plus strand). Cytogenetic location: 10q23.1.
Variant type: single nucleotide variant.
Coding change: c.2441T>C on transcript NM_033100.4 (MANE Select); coding-DNA position 2441, T replaced by C.
Protein change: p.Val814Ala; replaces valine 814 with alanine.
Molecular consequence: missense variant. On other transcripts: intron variant (1).
Genome position (GRCh38, 1-based): chr10:84,214,482, T>C. VCF-style: chr10-84214482-T-C. GRCh37 (hg19) VCF-style: chr10-85974238-T-C.
Other names: c.2040+1134T>C (NM_001171971.3); short protein forms V814A.
Identifiers: ClinVar variation 1524010 (VCV001524010.6), dbSNP rs2132838012, ClinGen allele CA377380093.